The following is an entry in ClinVar:

ClinVar aggregate classification (germline): Uncertain significance (1 of 4 stars; one submission).

Submission:

GeneDx
Classification: Uncertain significance. Last evaluated: 2020-03-30. Review status: criteria provided, single submitter. Criteria: GeneDx Variant Classification Process June 2021. Collection method: clinical testing. Allele origin: germline. Affected: yes.
Comment: Has not been previously published as pathogenic or benign to our knowledge; Not observed in large population cohorts (Lek et al., 2016); In silico analysis supports that this missense variant has a deleterious effect on protein structure/function

NM_001148.6(ANK2):c.3718C>G (p.Pro1240Ala)

Gene: ANK2 (ankyrin 2; plus strand). Cytogenetic location: 4q26.
Variant type: single nucleotide variant.
Coding change: c.3718C>G on transcript NM_001148.6 (MANE Select); coding-DNA position 3718, C replaced by G.
Protein change: p.Pro1240Ala; replaces proline 1240 with alanine.
Molecular consequence: missense variant.
Genome position (GRCh38, 1-based): chr4:113,336,703, C>G. VCF-style: chr4-113336703-C-G. GRCh37 (hg19) VCF-style: chr4-114257859-C-G.
Other names: c.3691C>G, p.Pro1231Ala (NM_001127493.3); c.3730C>G, p.Pro1244Ala (NM_001354225.2); c.3619C>G, p.Pro1207Ala (NM_001354228.2, NM_001354258.2); c.3697C>G, p.Pro1233Ala (NM_001354230.2); c.3760C>G, p.Pro1254Ala (NM_001354231.2, NM_001354242.2); c.3754C>G, p.Pro1252Ala (NM_001354232.2); c.3715C>G, p.Pro1239Ala (NM_001354235.2, NM_001354246.2, NM_001354265.2); c.3616C>G, p.Pro1206Ala (NM_001354236.2); and 31 more; short protein forms P1231A, P1240A, P1112A, P1145A, P1169A, P1178A, P1207A, P1219A.
Identifiers: ClinVar variation 389755 (VCV000389755.3), dbSNP rs1057523529, ClinGen allele CA16605027.
Genomic context (GRCh38, chr4:113,336,703, plus strand): 5'-GTCACTTTGGAACCTAGAAGAAGAAAATTCCACAAACCAATTACCATGACCATTCCTGTC[C>G]CCAAAGCTTCAAGTGATGTCATGTTGAATGGTTTTGGGGGAGATGCACCAACCTTAAGAT-3'
Protein context (NP_001139.3, residues 1230-1250): HKPITMTIPV[Pro1240Ala]KASSDVMLNG